The following is an entry in ClinVar:

ClinVar aggregate classification (germline): Conflicting classifications of pathogenicity. Review status: criteria provided, conflicting classifications (1 of 4 stars). 3 submissions from 3 submitters: Uncertain significance (2); Likely benign (1). Last evaluated 2025-04-27.

Conditions:
Epilepsy. Also called: Seizure disorder. Identifiers: MedGen C0014544, MeSH D004827, MONDO:0005027.
Inborn genetic diseases. Identifiers: MedGen C0950123, MeSH D030342.

Allele frequency attached by ClinVar (database versions not stated): gnomAD exomes 0.00002 and 0.00004; ExAC 0.00003; ESP Exome Variant Server 0.00008; gnomAD 0.00013 and 0.00014; TOPMed 0.00014.

Submissions (3):

GeneDx
Classification: Uncertain significance. Last evaluated: 2025-04-27. Review status: criteria provided, single submitter. Criteria: GeneDx Variant Classification Process June 2021. Collection method: clinical testing. Allele origin: germline. Affected: yes.
Comment: In silico analysis indicates that this missense variant does not alter protein structure/function; Has not been previously published as pathogenic or benign to our knowledge

Ambry Genetics
Classification: Likely benign for Inborn genetic diseases. Last evaluated: 2024-04-09. Review status: criteria provided, single submitter. Criteria: Ambry Variant Classification Scheme 2023. Collection method: clinical testing. Allele origin: germline.

Labcorp Genetics (formerly Invitae), Labcorp
Classification: Uncertain significance for Epilepsy. Last evaluated: 2022-08-23. Review status: criteria provided, single submitter. Criteria: Invitae Variant Classification Sherloc (09022015). Collection method: clinical testing. Allele origin: germline.
Comment: This sequence change replaces arginine, which is basic and polar, with histidine, which is basic and polar, at codon 562 of the PIGQ protein (p.Arg562His). This variant is present in population databases (rs372069327, gnomAD 0.04%). This variant has not been reported in the literature in individuals affected with PIGQ-related conditions. ClinVar contains an entry for this variant (Variation ID: 526270). Algorithms developed to predict the effect of missense changes on protein structure and function are either unavailable or do not agree on the potential impact of this missense change (SIFT: "Tolerated"; PolyPhen-2: "Possibly Damaging"; Align-GVGD: "Class C0"). In summary, the available evidence is currently insufficient to determine the role of this variant in disease. Therefore, it has been classified as a Variant of Uncertain Significance.

NM_004204.5(PIGQ):c.1685G>A (p.Arg562His)

Gene: PIGQ (phosphatidylinositol glycan anchor biosynthesis class Q; plus strand). Cytogenetic location: 16p13.3.
Variant type: single nucleotide variant.
Coding change: c.1685G>A on transcript NM_004204.5 (MANE Select); coding-DNA position 1685, G replaced by A.
Protein change: p.Arg562His; replaces arginine 562 with histidine.
Molecular consequence: missense variant. On other transcripts: synonymous variant (1).
Genome position (GRCh38, 1-based): chr16:582,974, G>A. VCF-style: chr16-582974-G-A. GRCh37 (hg19) VCF-style: chr16-632974-G-A.
Other names: c.1623G>A (NM_148920.1); c.1623G>A, p.Pro541= (NM_148920.4); short protein forms R562H.
Identifiers: ClinVar variation 526270 (VCV000526270.8), dbSNP rs372069327, ClinGen allele CA7780511.